The following is an entry in ClinVar:

ClinVar aggregate classification (germline): Uncertain significance. Review status: criteria provided, multiple submitters, no conflicts (2 of 4 stars). 3 submissions from 3 submitters: Uncertain significance (3). Last evaluated 2024-07-19.

Conditions:
Inborn genetic diseases. Identifiers: MedGen C0950123, MeSH D030342.

Allele frequency attached by ClinVar (database versions not stated): gnomAD exomes 0.00001; ExAC 0.00002; gnomAD 0.00003; TOPMed 0.00003; ESP Exome Variant Server 0.00008.
gnomAD v4.1: 21 of 1,614,042 alleles (0.0013%); highest among the groups gnomAD compares: Admixed American, 0.015%; no homozygotes.

Submissions (3):

GeneDx
Classification: Uncertain significance. Last evaluated: 2024-07-19. Review status: criteria provided, single submitter. Criteria: GeneDx Variant Classification Process June 2021. Collection method: clinical testing. Allele origin: germline. Affected: yes.
Comment: In silico analysis indicates that this missense variant does not alter protein structure/function; Has not been previously published as pathogenic or benign to our knowledge

Ambry Genetics
Classification: Uncertain significance for Inborn genetic diseases. Last evaluated: 2022-10-03. Review status: criteria provided, single submitter. Criteria: Ambry Variant Classification Scheme 2023. Collection method: clinical testing. Allele origin: germline.

Labcorp Genetics (formerly Invitae), Labcorp
Classification: Uncertain significance. Last evaluated: 2022-08-08. Review status: criteria provided, single submitter. Criteria: Invitae Variant Classification Sherloc (09022015). Collection method: clinical testing. Allele origin: germline.
Comment: This sequence change replaces threonine, which is neutral and polar, with isoleucine, which is neutral and non-polar, at codon 224 of the CLRN1 protein (p.Thr224Ile). This variant is present in population databases (rs368979879, gnomAD 0.009%). This variant has not been reported in the literature in individuals affected with CLRN1-related conditions. Algorithms developed to predict the effect of missense changes on protein structure and function are either unavailable or do not agree on the potential impact of this missense change (SIFT: "Deleterious"; PolyPhen-2: "Benign"; Align-GVGD: "Class C0"). In summary, the available evidence is currently insufficient to determine the role of this variant in disease. Therefore, it has been classified as a Variant of Uncertain Significance.

NM_174878.3(CLRN1):c.671C>T (p.Thr224Ile)

Gene: CLRN1 (clarin 1; minus strand). Cytogenetic location: 3q25.1.
Variant type: single nucleotide variant.
Coding change: c.671C>T on transcript NM_174878.3 (MANE Select); coding-DNA position 671, C replaced by T.
Protein change: p.Thr224Ile; replaces threonine 224 with isoleucine.
Molecular consequence: missense variant. On other transcripts: 3 prime UTR variant (1), non-coding transcript variant (1), intron variant (1).
Genome position (GRCh38, 1-based): chr3:150,927,964, G>A on the plus strand (C>T on the coding strand, the complement: CLRN1 is on the minus strand). VCF-style: chr3-150927964-G-A. GRCh37 (hg19) VCF-style: chr3-150645751-G-A.
Other names: c.710C>T, p.Thr237Ile (NM_001195794.1); c.*285C>T (NM_001256819.2); c.342+101C>T (NM_052995.2); short protein forms T224I, T237I.
Identifiers: ClinVar variation 2149723 (VCV002149723.3), dbSNP rs368979879, ClinGen allele CA2665993.
Genomic context (GRCh38, chr3:150,927,964, plus strand): 5'-CTCCCTTGTAAAATTATAGAAAGGTTTGCCTTTCAGTACATTAGATCTGCAGCTACATTA[G>A]TTGTTTCTGCGTCTTTAGATTTTGCAAAAGGGAACTGAAATCCAGCAAGTCGTATTAGGA-3'
Protein context (NP_777367.1, residues 214-232): PFAKSKDAET[Thr224Ile]NVAADLMY